The following is an entry in ClinVar:

ClinVar aggregate classification (germline): Uncertain significance. Review status: criteria provided, multiple submitters, no conflicts (2 of 4 stars). 2 submissions from 2 submitters: Uncertain significance (2). Last evaluated 2024-06-08.

Conditions:
Hereditary cancer-predisposing syndrome. Also called: Hereditary neoplastic syndrome; Tumor predisposition; Neoplastic Syndromes, Hereditary; Hereditary Cancer Syndrome. Identifiers: Orphanet 140162, MedGen C0027672, MeSH D009386, MONDO:0015356.

Submissions (2):

Ambry Genetics
Classification: Uncertain significance for Hereditary cancer-predisposing syndrome. Last evaluated: 2024-06-08. Review status: criteria provided, single submitter. Criteria: Ambry Variant Classification Scheme 2023. Collection method: clinical testing. Allele origin: germline.
Comment: The p.S2018G variant (also known as c.6052A>G), located in coding exon 44 of the POLE gene, results from an A to G substitution at nucleotide position 6052. The serine at codon 2018 is replaced by glycine, an amino acid with similar properties. This amino acid position is conserved. In addition, this alteration is predicted to be tolerated by in silico analysis. Based on the available evidence, the clinical significance of this variant remains unclear.

Labcorp Genetics (formerly Invitae), Labcorp
Classification: Uncertain significance. Last evaluated: 2023-03-07. Review status: criteria provided, single submitter. Criteria: Invitae Variant Classification Sherloc (09022015). Collection method: clinical testing. Allele origin: germline.
Comment: Advanced modeling of protein sequence and biophysical properties (such as structural, functional, and spatial information, amino acid conservation, physicochemical variation, residue mobility, and thermodynamic stability) performed at Invitae indicates that this missense variant is not expected to disrupt POLE protein function. In summary, the available evidence is currently insufficient to determine the role of this variant in disease. Therefore, it has been classified as a Variant of Uncertain Significance. ClinVar contains an entry for this variant (Variation ID: 1505216). This variant has not been reported in the literature in individuals affected with POLE-related conditions. This variant is not present in population databases (gnomAD no frequency). This sequence change replaces serine, which is neutral and polar, with glycine, which is neutral and non-polar, at codon 2018 of the POLE protein (p.Ser2018Gly).

NM_006231.4(POLE):c.6052A>G (p.Ser2018Gly)

Gene: POLE (DNA polymerase epsilon, catalytic subunit; minus strand). Cytogenetic location: 12q24.33.
Variant type: single nucleotide variant.
Coding change: c.6052A>G on transcript NM_006231.4 (MANE Select); coding-DNA position 6052, A replaced by G.
Protein change: p.Ser2018Gly; replaces serine 2018 with glycine.
Molecular consequence: missense variant.
Genome position (GRCh38, 1-based): chr12:132,632,748, T>C on the plus strand (A>G on the coding strand, the complement: POLE is on the minus strand). VCF-style: chr12-132632748-T-C. GRCh37 (hg19) VCF-style: chr12-133209334-T-C.
Other names: c.6052A>G (NM_006231.2); short protein forms S2018G.
Identifiers: ClinVar variation 1505216 (VCV001505216.9), dbSNP rs759996788, ClinGen allele CA387370745.